The following is an entry in ClinVar:

ClinVar aggregate classification (germline): Uncertain significance (1 of 4 stars; one submission).

gnomAD v4.1: 2 of 1,614,210 alleles (0.00012%); highest among the groups gnomAD compares: Middle Eastern, 0.017%; no homozygotes.

Submission:

Labcorp Genetics (formerly Invitae), Labcorp
Classification: Uncertain significance. Last evaluated: 2022-07-05. Review status: criteria provided, single submitter. Criteria: Invitae Variant Classification Sherloc (09022015). Collection method: clinical testing. Allele origin: germline.
Comment: In summary, the available evidence is currently insufficient to determine the role of this variant in disease. Therefore, it has been classified as a Variant of Uncertain Significance. Advanced modeling of protein sequence and biophysical properties (such as structural, functional, and spatial information, amino acid conservation, physicochemical variation, residue mobility, and thermodynamic stability) performed at Invitae indicates that this missense variant is not expected to disrupt CPLANE1 protein function. ClinVar contains an entry for this variant (Variation ID: 1502709). This variant has not been reported in the literature in individuals affected with CPLANE1-related conditions. This variant is present in population databases (rs144698212, gnomAD 0.003%). This sequence change replaces histidine, which is basic and polar, with proline, which is neutral and non-polar, at codon 3127 of the CPLANE1 protein (p.His3127Pro).

NM_001384732.1(CPLANE1):c.9542A>C (p.His3181Pro)

Gene: CPLANE1 (ciliogenesis and planar polarity effector complex subunit 1; minus strand). Cytogenetic location: 5p13.2.
Variant type: single nucleotide variant.
Coding change: c.9542A>C on transcript NM_001384732.1 (MANE Select); coding-DNA position 9542, A replaced by C.
Protein change: p.His3181Pro; replaces histidine 3181 with proline.
Molecular consequence: missense variant.
Genome position (GRCh38, 1-based): chr5:37,108,330, T>G on the plus strand (A>C on the coding strand, the complement: CPLANE1 is on the minus strand). VCF-style: chr5-37108330-T-G. GRCh37 (hg19) VCF-style: chr5-37108432-T-G.
Other names: c.9380A>C, p.His3127Pro (NM_023073.4); short protein forms H3127P, H3181P.
Identifiers: ClinVar variation 1502709 (VCV001502709.8), dbSNP rs144698212, ClinGen allele CA3237430.
Genomic context (GRCh38, chr5:37,108,330, plus strand): 5'-ACAAAATCTAGAACAATGCTTACTTGTAGAAGGGAATTGTGACTCTCATGAAGAATCTTA[T>G]GGATTTCTGAAGGTATCGTCCAGGGACTCACCACAGTCTCCTCTCTTTCATACTCTACAC-3'
Protein context (NP_001371661.1, residues 3171-3191): VSPWTIPSEI[His3181Pro]KILHESHNSL